The following is an entry in ClinVar:

ClinVar aggregate classification (germline): Uncertain significance. Review status: criteria provided, multiple submitters, no conflicts (2 of 4 stars). 3 submissions from 3 submitters: Uncertain significance (2). 1 of the submissions does not count toward it. Last evaluated 2025-10-17.

Conditions:
KIDINS220-related disorder. Also called: KIDINS220-related condition.
Inborn genetic diseases. Identifiers: MedGen C0950123, MeSH D030342.

Allele frequency attached by ClinVar (database versions not stated): TOPMed 0.00001; gnomAD exomes 0.00003.
gnomAD v4.1: 45 of 1,613,948 alleles (0.0028%); highest among the groups gnomAD compares: Non-Finnish European, 0.0037%; no homozygotes.

Submissions (3):

Ambry Genetics
Classification: Uncertain significance for Inborn genetic diseases. Last evaluated: 2025-10-17. Review status: criteria provided, single submitter. Criteria: Ambry Variant Classification Scheme 2023. Collection method: clinical testing. Allele origin: germline.

Labcorp Genetics (formerly Invitae), Labcorp
Classification: Uncertain significance. Last evaluated: 2022-04-11. Review status: criteria provided, single submitter. Criteria: Invitae Variant Classification Sherloc (09022015). Collection method: clinical testing. Allele origin: germline.
Comment: Algorithms developed to predict the effect of missense changes on protein structure and function (SIFT, PolyPhen-2, Align-GVGD) all suggest that this variant is likely to be tolerated. In summary, the available evidence is currently insufficient to determine the role of this variant in disease. Therefore, it has been classified as a Variant of Uncertain Significance. This variant has not been reported in the literature in individuals affected with KIDINS220-related conditions. This variant is present in population databases (no rsID available, gnomAD 0.003%). This sequence change replaces methionine, which is neutral and non-polar, with lysine, which is basic and polar, at codon 909 of the KIDINS220 protein (p.Met909Lys).

PreventionGenetics, part of Exact Sciences
Classification: Uncertain significance for KIDINS220-related condition. Last evaluated: 2024-07-29. Review status: no assertion criteria provided. Collection method: clinical testing. Allele origin: germline. Not counted in ClinVar's aggregate classification.
Comment: The KIDINS220 c.2726T>A variant is predicted to result in the amino acid substitution p.Met909Lys. To our knowledge, this variant has not been reported in the literature. This variant is reported in 0.0029% of alleles in individuals of Latino descent in gnomAD. At this time, the clinical significance of this variant is uncertain due to the absence of conclusive functional and genetic evidence.

NM_020738.4(KIDINS220):c.2726T>A (p.Met909Lys)

Gene: KIDINS220 (kinase D interacting substrate 220; minus strand). Cytogenetic location: 2p25.1.
Variant type: single nucleotide variant.
Coding change: c.2726T>A on transcript NM_020738.4 (MANE Select); coding-DNA position 2726, T replaced by A.
Protein change: p.Met909Lys; replaces methionine 909 with lysine.
Molecular consequence: missense variant. On other transcripts: non-coding transcript variant (2).
Genome position (GRCh38, 1-based): chr2:8,776,870, A>T on the plus strand (T>A on the coding strand, the complement: KIDINS220 is on the minus strand). VCF-style: chr2-8776870-A-T. GRCh37 (hg19) VCF-style: chr2-8917000-A-T.
Other names: c.2729T>A, p.Met910Lys (NM_001348729.2, NM_001348731.2, NM_001348734.2 and 3 more transcripts); c.2726T>A, p.Met909Lys (NM_001348732.2, NM_001348735.2, NM_001348738.2 and 3 more transcripts); c.2600T>A, p.Met867Lys (NM_001348736.2); c.2726T>A (NM_020738.2); short protein forms M867K, M909K, M910K.
Identifiers: ClinVar variation 2416359 (VCV002416359.8), dbSNP rs1355535493, ClinGen allele CA345759533.